The following is an entry in ClinVar:

NM_003235.5(TG):c.866C>A (p.Ser289Ter)

Gene: TG (thyroglobulin; plus strand). Cytogenetic location: 8q24.22.
Variant type: single nucleotide variant.
Coding change: c.866C>A on transcript NM_003235.5 (MANE Select); coding-DNA position 866, C replaced by A.
Protein change: p.Ser289Ter; replaces serine 289 with a stop codon.
Molecular consequence: nonsense.
Genome position (GRCh38, 1-based): chr8:132,882,589, C>A. VCF-style: chr8-132882589-C-A. GRCh37 (hg19) VCF-style: chr8-133894834-C-A.
Other names: short protein forms S289*.
Identifiers: ClinVar variation 2910223 (VCV002910223.3), dbSNP rs746023979, ClinGen allele CA4883024.

ClinVar aggregate classification (germline): Pathogenic (1 of 4 stars; one submission).

Allele frequency attached by ClinVar (database versions not stated): TOPMed below 0.00001; ExAC 0.00002.

Submission:

Labcorp Genetics (formerly Invitae), Labcorp
Classification: Pathogenic. Last evaluated: 2023-02-08. Review status: criteria provided, single submitter. Criteria: Invitae Variant Classification Sherloc (09022015). Collection method: clinical testing. Allele origin: germline.
Comment: This sequence change creates a premature translational stop signal (p.Ser289*) in the TG gene. It is expected to result in an absent or disrupted protein product. Loss-of-function variants in TG are known to be pathogenic (PMID: 19837936, 23164529). This variant is present in population databases (rs746023979, gnomAD 0.01%). This premature translational stop signal has been observed in individual(s) with congenital hypothyroidism (PMID: 30022773, 34200080). For these reasons, this variant has been classified as Pathogenic.

Literature cited by the submitters: PubMed 19837936; PubMed 23164529; PubMed 30022773; PubMed 34200080.